The following is an entry in ClinVar:

ClinVar aggregate classification (germline): Conflicting classifications of pathogenicity. Review status: criteria provided, conflicting classifications (1 of 4 stars). 4 submissions from 4 submitters: Uncertain significance (1); Likely benign (3). Last evaluated 2025-06-04.

Conditions:
Inborn genetic diseases. Identifiers: MedGen C0950123, MeSH D030342.

Allele frequency attached by ClinVar (database versions not stated): ExAC 0.00002; gnomAD 0.00004; gnomAD exomes 0.00004; TOPMed 0.00004.
gnomAD v4.1: 65 of 1,613,958 alleles (0.004%); highest among the groups gnomAD compares: Non-Finnish European, 0.0052%; no homozygotes.

Submissions (4):

Labcorp Genetics (formerly Invitae), Labcorp
Classification: Likely benign. Last evaluated: 2025-06-04. Review status: criteria provided, single submitter. Criteria: Invitae Variant Classification Sherloc (09022015). Collection method: clinical testing. Allele origin: germline.

GeneDx
Classification: Uncertain significance. Last evaluated: 2024-06-27. Review status: criteria provided, single submitter. Criteria: GeneDx Variant Classification Process June 2021. Collection method: clinical testing. Allele origin: germline. Affected: yes.
Comment: In silico analysis indicates that this variant does not alter splicing; Has not been previously published as pathogenic or benign to our knowledge

Blueprint Genetics
Classification: Likely benign. Last evaluated: 2022-08-08. Review status: criteria provided, single submitter. Criteria: ACMG Guidelines, 2015. Collection method: clinical testing. Allele origin: germline.

Ambry Genetics
Classification: Likely benign for Inborn genetic diseases. Last evaluated: 2022-02-17. Review status: criteria provided, single submitter. Criteria: Ambry Variant Classification Scheme 2023. Collection method: clinical testing. Allele origin: germline.

NM_002875.5(RAD51):c.984C>A (p.Ala328=)

Gene: RAD51 (RAD51 recombinase; plus strand). Cytogenetic location: 15q15.1.
Variant type: single nucleotide variant.
Coding change: c.984C>A on transcript NM_002875.5 (MANE Select); coding-DNA position 984, C replaced by A.
Protein change: p.Ala328=; no amino-acid change (alanine 328 retained).
Molecular consequence: synonymous variant. On other transcripts: 3 prime UTR variant (1).
Genome position (GRCh38, 1-based): chr15:40,731,142, C>A. VCF-style: chr15-40731142-C-A. GRCh37 (hg19) VCF-style: chr15-41023340-C-A.
Other names: c.987C>A, p.Ala329= (NM_001164269.2, NM_133487.4); c.*19C>A (NM_001164270.2).
Identifiers: ClinVar variation 1768374 (VCV001768374.9), dbSNP rs745659621, ClinGen allele CA7484162.